The following is an entry in ClinVar:

NM_000368.5(TSC1):c.3423T>C (p.Ser1141=)

Gene: TSC1 (TSC complex subunit 1; minus strand). Cytogenetic location: 9q34.13.
Variant type: single nucleotide variant.
Coding change: c.3423T>C on transcript NM_000368.5 (MANE Select); coding-DNA position 3423, T replaced by C.
Protein change: p.Ser1141=; no amino-acid change (serine 1141 retained).
Molecular consequence: synonymous variant.
Genome position (GRCh38, 1-based): chr9:132,896,307, A>G on the plus strand (T>C on the coding strand, the complement: TSC1 is on the minus strand). VCF-style: chr9-132896307-A-G. GRCh37 (hg19) VCF-style: chr9-135771694-A-G.
Other names: c.3423T>C (NM_000368.4); c.3420T>C, p.Ser1140= (NM_001162426.2); c.3270T>C, p.Ser1090= (NM_001162427.2); c.3060T>C, p.Ser1020= (NM_001362177.2).
Identifiers: ClinVar variation 1155048 (VCV001155048.11), dbSNP rs1564469544, ClinGen allele CA467812889.

ClinVar aggregate classification (germline): Benign/Likely benign. Review status: criteria provided, multiple submitters, no conflicts (2 of 4 stars). 3 submissions from 3 submitters: Benign (1); Likely benign (2). Last evaluated 2025-04-30.

Conditions:
Hereditary cancer-predisposing syndrome. Also called: Hereditary Cancer Syndrome; Hereditary neoplastic syndrome; Neoplastic Syndromes, Hereditary; Tumor predisposition. Identifiers: Orphanet 140162, MedGen C0027672, MeSH D009386, MONDO:0015356.
Tuberous sclerosis 1 (TSC1). Identifiers: Orphanet 805, MedGen C1854465, MONDO:0008612, OMIM 191100.

Allele frequency attached by ClinVar (database versions not stated): gnomAD exomes below 0.00001.

Submissions (3):

Myriad Genetics, Inc.
Classification: Benign for Tuberous sclerosis 1. Last evaluated: 2025-04-30. Review status: criteria provided, single submitter. Criteria: Myriad Autosomal Dominant, Autosomal Recessive and X-Linked Classification Criteria (2023). Collection method: clinical testing. Allele origin: unknown.
Comment: This variant is considered benign. This variant is a silent/synonymous amino acid change and it is not expected to impact splicing.

Labcorp Genetics (formerly Invitae), Labcorp
Classification: Likely benign for Tuberous sclerosis 1. Last evaluated: 2024-08-19. Review status: criteria provided, single submitter. Criteria: Invitae Variant Classification Sherloc (09022015). Collection method: clinical testing. Allele origin: germline.

Ambry Genetics
Classification: Likely benign for Hereditary cancer-predisposing syndrome. Last evaluated: 2023-12-07. Review status: criteria provided, single submitter. Criteria: Ambry Variant Classification Scheme 2023. Collection method: clinical testing. Allele origin: germline.